The following is an entry in ClinVar:

NM_007214.5(SEC63):c.*2046C>G

Gene: SEC63 (SEC63 homolog, protein translocation regulator; minus strand). Cytogenetic location: 6q21.
Variant type: single nucleotide variant.
Coding change: c.*2046C>G on transcript NM_007214.5 (MANE Select); 2046 bases downstream of the stop codon, C replaced by G.
Molecular consequence: 3 prime UTR variant.
Genome position (GRCh38, 1-based): chr6:107,869,658, G>C on the plus strand (C>G on the coding strand, the complement: SEC63 is on the minus strand). VCF-style: chr6-107869658-G-C. GRCh37 (hg19) VCF-style: chr6-108190862-G-C.
Identifiers: ClinVar variation 354852 (VCV000354852.5), dbSNP rs139373195, ClinGen allele CA10622625.

ClinVar aggregate classification (germline): Benign (1 of 4 stars; one submission).

Conditions:
Polycystic liver disease 2 (PCLD2). Also called: Polycystic liver disease 2 with or without kidney cysts. Identifiers: Orphanet 2924, MedGen C4310769, MONDO:0014860, OMIM 617004.

Allele frequency attached by ClinVar (database versions not stated): 1000 Genomes Project 30x 0.00047; 1000 Genomes Project 0.00040; TOPMed 0.00056; gnomAD 0.00059.

Submission:

Illumina Laboratory Services, Illumina
Classification: Benign for Polycystic liver disease 2. Last evaluated: 2018-01-12. Review status: criteria provided, single submitter. Criteria: ICSL Variant Classification Criteria 13 December 2019. Collection method: clinical testing. Allele origin: germline.
Comment: This variant was observed in the ICSL laboratory as part of a predisposition screen in an ostensibly healthy population. It had not been previously curated by ICSL or reported in the Human Gene Mutation Database (HGMD: prior to June 1st, 2018), and was therefore a candidate for classification through an automated scoring system. Utilizing variant allele frequency, disease prevalence and penetrance estimates, and inheritance mode, an automated score was calculated to assess if this variant is too frequent to cause the disease. Based on the score and internal cut-off values, a variant classified as benign is not then subjected to further curation. The score for this variant resulted in a classification of benign for this disease.